The following is an entry in ClinVar:

ClinVar aggregate classification (germline): Uncertain significance (1 of 4 stars; one submission).

Allele frequency attached by ClinVar (database versions not stated): gnomAD exomes below 0.00001.
gnomAD v4.1: 3 of 1,153,348 alleles (0.00026%); highest among the groups gnomAD compares: Middle Eastern, 0.024%; no homozygotes.

Submission:

Labcorp Genetics (formerly Invitae), Labcorp
Classification: Uncertain significance. Last evaluated: 2024-04-23. Review status: criteria provided, single submitter. Criteria: Invitae Variant Classification Sherloc (09022015). Collection method: clinical testing. Allele origin: germline.
Comment: This sequence change replaces valine, which is neutral and non-polar, with isoleucine, which is neutral and non-polar, at codon 1025 of the POLA1 protein (p.Val1025Ile). This variant is not present in population databases (gnomAD no frequency). This variant has not been reported in the literature in individuals affected with POLA1-related conditions. ClinVar contains an entry for this variant (Variation ID: 1984155). Algorithms developed to predict the effect of missense changes on protein structure and function output the following: SIFT: "Not Available"; PolyPhen-2: "Benign"; Align-GVGD: "Not Available". The isoleucine amino acid residue is found in multiple mammalian species, which suggests that this missense change does not adversely affect protein function. In summary, the available evidence is currently insufficient to determine the role of this variant in disease. Therefore, it has been classified as a Variant of Uncertain Significance.

NM_001330360.2(POLA1):c.3091G>A (p.Val1031Ile)

Gene: POLA1 (DNA polymerase alpha 1, catalytic subunit; plus strand). Cytogenetic location: Xp22.11.
Variant type: single nucleotide variant.
Coding change: c.3091G>A on transcript NM_001330360.2 (MANE Select); coding-DNA position 3091, G replaced by A.
Protein change: p.Val1031Ile; replaces valine 1031 with isoleucine.
Molecular consequence: missense variant. On other transcripts: non-coding transcript variant (2).
Genome position (GRCh38, 1-based): chrX:24,812,658, G>A. VCF-style: chrX-24812658-G-A. GRCh37 (hg19) VCF-style: chrX-24830775-G-A.
Other names: c.3016G>A, p.Val1006Ile (NM_001378303.1); c.3073G>A, p.Val1025Ile (NM_016937.4); short protein forms V1006I, V1025I, V1031I.
Identifiers: ClinVar variation 1984155 (VCV001984155.4), dbSNP rs2518668319, ClinGen allele CA412525157.
Genomic context (GRCh38, chrX:24,812,658, plus strand): 5'-GTTCATCTTCTCCCTATTAGATGTTTGAGAAGCTAATACTAATATTTGAAATTTTCACAG[G>A]TAAAAAGTGAAGTGAATAAGTTGTACAAACTGCTTGAAATAGACATTGATGGGGTTTTCA-3'
Protein context (NP_001317289.1, residues 1021-1041): LEEVFKLGNK[Val1031Ile]KSEVNKLYKL